The following is an entry in ClinVar:

NM_003265.3(TLR3):c.2653C>T (p.Arg885Trp)

Gene: TLR3 (toll like receptor 3; plus strand). Cytogenetic location: 4q35.1.
Variant type: single nucleotide variant.
Coding change: c.2653C>T on transcript NM_003265.3 (MANE Select); coding-DNA position 2653, C replaced by T.
Protein change: p.Arg885Trp; replaces arginine 885 with tryptophan.
Molecular consequence: missense variant.
Genome position (GRCh38, 1-based): chr4:186,084,811, C>T. VCF-style: chr4-186084811-C-T. GRCh37 (hg19) VCF-style: chr4-187005965-C-T.
Other names: short protein forms R885W.
Identifiers: ClinVar variation 4766687 (VCV004766687.1).

ClinVar aggregate classification (germline): Uncertain significance (1 of 4 stars; one submission).

Conditions:
Encephalopathy, acute, infection-induced (herpes-specific), susceptibility to, 1. Also called: Herpes simplex encephalitis, susceptibility to, 1. Identifiers: Orphanet 1930, MedGen C2750180, MONDO:0024563, OMIM 610551.

gnomAD v4.1: 27 of 1,613,850 alleles (0.0017%); highest among the groups gnomAD compares: East Asian, 0.025%; no homozygotes.

Submission:

Labcorp Genetics (formerly Invitae), Labcorp
Classification: Uncertain significance for Encephalopathy, acute, infection-induced (herpes-specific), susceptibility to, 1. Last evaluated: 2025-10-17. Review status: criteria provided, single submitter. Criteria: Invitae Variant Classification Sherloc (09022015). Collection method: clinical testing. Allele origin: germline.
Comment: This sequence change replaces arginine, which is basic and polar, with tryptophan, which is neutral and slightly polar, at codon 885 of the TLR3 protein (p.Arg885Trp). This variant is present in population databases (rs774708574, gnomAD 0.004%). This variant has not been reported in the literature in individuals affected with TLR3-related conditions. An algorithm developed to predict the effect of missense changes on protein structure and function (PolyPhen-2) suggests that this variant is likely to be disruptive. In summary, the available evidence is currently insufficient to determine the role of this variant in disease. Therefore, it has been classified as a Variant of Uncertain Significance.